The following is an entry in ClinVar:

ClinVar aggregate classification (germline): Uncertain significance. Review status: criteria provided, multiple submitters, no conflicts (2 of 4 stars). 3 submissions from 3 submitters: Uncertain significance (3). Last evaluated 2024-12-30.

Allele frequency attached by ClinVar (database versions not stated): gnomAD exomes below 0.00001; TOPMed below 0.00001; ExAC 0.00001.
gnomAD v4.1: 4 of 1,613,306 alleles (0.00025%); highest among the groups gnomAD compares: Non-Finnish European, 0.00034%; no homozygotes.

Submissions (3):

Mayo Clinic Laboratories, Mayo Clinic
Classification: Uncertain significance. Last evaluated: 2024-12-30. Review status: criteria provided, single submitter. Criteria: ACMG Guidelines, 2015. Collection method: clinical testing. Allele origin: germline. Observed: 1 variant allele.
Comment: PP3

Eurofins Ntd Llc (ga)
Classification: Uncertain significance. Last evaluated: 2017-08-29. Review status: criteria provided, single submitter. Criteria: EGL Classification Definitions 2015. Collection method: clinical testing. Allele origin: germline. Observed: 1 variant allele, 1 heterozygote.

GeneDx
Classification: Uncertain significance. Last evaluated: 2014-06-20. Review status: criteria provided, single submitter. Criteria: GeneDx Variant Classification (06012015). Collection method: clinical testing. Allele origin: germline. Affected: yes.
Comment: Missense variants in the TTN gene are considered 'unclassified' if they are not previously reported in the literature and do not have >1% frequency in the population to be considered a polymorphism. Research indicates that truncating mutations in the TTN gene are expected to account for approximately 25% of familial and 18% of sporadic idiopathic DCM; however, truncating variants in the TTN gene have been reported in approximately 3% of reported control alleles. There has been little investigation into non-truncating variants. (Herman D et al. Truncations of titin causing dilated cardiomyopathy. N Eng J Med 366:619-628, 2012) The variant is found in DCM-CRDM panel(s).

NM_001267550.2(TTN):c.67574C>T (p.Ala22525Val)

Genes: TTN (titin; minus strand), TTN-AS1 (TTN antisense RNA 1; plus strand), LOC126806423 (CDK7 strongly-dependent group 2 enhancer GRCh37_chr2:179443309-179444508; plus strand). Cytogenetic location: 2q31.2.
Variant type: single nucleotide variant.
Coding change: c.67574C>T on transcript NM_001267550.2 (MANE Select); coding-DNA position 67574, C replaced by T.
Protein change: p.Ala22525Val; replaces alanine 22525 with valine.
Molecular consequence: missense variant.
Genome position (GRCh38, 1-based): chr2:178,579,623, G>A on the plus strand (C>T on the coding strand, the complement: TTN is on the minus strand). VCF-style: chr2-178579623-G-A. GRCh37 (hg19) VCF-style: chr2-179444350-G-A.
Other names: p.A20884V:GCT>GTT; p.Ala20884Val; c.62651C>T, p.Ala20884Val (NM_001256850.1); c.40379C>T, p.Ala13460Val (NM_003319.4); c.59870C>T, p.Ala19957Val (NM_133378.4); c.40754C>T, p.Ala13585Val (NM_133432.3); c.40955C>T, p.Ala13652Val (NM_133437.4); short protein forms A20884V, A22525V, A19957V, A13460V, A13652V, A13585V.
Identifiers: ClinVar variation 202811 (VCV000202811.7), dbSNP rs781320550, ClinGen allele CA310361.
Genomic context (GRCh38, chr2:178,579,623, plus strand): 5'-ACATCATCCCTTGCCACAACAGTGATTTCGCTTGGGGTTCCTTCTCCATTTTCATTCTCA[G>A]CACTCACTCTGAAGGTATATTCCTTCCCTTCAGTCAAATCTTTTGCAGAGTACTGTAGGC-3'
Protein context (NP_001254479.2, residues 22515-22535): EGKEYTFRVS[Ala22525Val]ENENGEGTPS